The following is an entry in ClinVar:

ClinVar aggregate classification (germline): Uncertain significance (1 of 4 stars; one submission).

Submission:

Labcorp Genetics (formerly Invitae), Labcorp
Classification: Uncertain significance. Last evaluated: 2022-10-22. Review status: criteria provided, single submitter. Criteria: Invitae Variant Classification Sherloc (09022015). Collection method: clinical testing. Allele origin: germline.
Comment: This variant is present in population databases (rs750112556, gnomAD 0.003%). In summary, the available evidence is currently insufficient to determine the role of this variant in disease. Therefore, it has been classified as a Variant of Uncertain Significance. Experimental studies and prediction algorithms are not available or were not evaluated, and the functional significance of this variant is currently unknown. This variant has not been reported in the literature in individuals affected with RSPO2-related conditions. This variant, c.651_656del, results in the deletion of 2 amino acid(s) of the RSPO2 protein (p.Asn217_Lys218del), but otherwise preserves the integrity of the reading frame.

NM_178565.5(RSPO2):c.651_656del (p.Asn217_Lys218del)

Gene: RSPO2 (R-spondin 2; minus strand). Cytogenetic location: 8q23.1.
Variant type: Deletion.
Coding change: c.651_656del on transcript NM_178565.5 (MANE Select); coding-DNA positions 651 to 656, 6 bases deleted (CAAGAA; older notation c.651_656delCAAGAA).
Protein change: p.Asn217_Lys218del.
Molecular consequence: inframe deletion.
Genome position (GRCh38, 1-based): chr8:107,901,151-107,901,156, TTCTTG deleted on the plus strand (CAAGAA on the coding strand, the reverse complement: RSPO2 is on the minus strand); deleting any 6 consecutive bases within chr8:107,901,151-107,901,159 gives the same sequence; the c. name uses the placement nearest the transcript's 3' end. VCF-style (leftmost placement, unchanged base first): chr8-107901150-TTTCTTG-T. GRCh37 (hg19) VCF-style: chr8-108913378-TTTCTTG-T.
Other names: c.459_464del, p.Asn153_Lys154del (NM_001282863.2); c.450_455del, p.Asn150_Lys151del (NM_001317942.2).
Identifiers: ClinVar variation 2874710 (VCV002874710.3), dbSNP rs750112556, ClinGen allele CA4841508.
Genomic context (GRCh38, chr8:107,901,150, plus strand): 5'-GTCTGTAGCTAGGAAGACGCTGTGTTGCTCCTGGGCCCTTTCTATCAGCTTCCTTTTCTT[TTTCTTG>T]TTCCTCTTCTCCTTCGCCTTTGGTGTTCTCTTCCCTGCAATGAAGGAAAGAAAAGAAGAG-3'